The following is an entry in ClinVar:

NM_013247.5(HTRA2):c.627A>G (p.Arg209=)

Gene: HTRA2 (HtrA serine peptidase 2; plus strand). Cytogenetic location: 2p13.1.
Variant type: single nucleotide variant.
Coding change: c.627A>G on transcript NM_013247.5 (MANE Select); coding-DNA position 627, A replaced by G.
Protein change: p.Arg209=; no amino-acid change (arginine 209 retained).
Molecular consequence: synonymous variant. On other transcripts: non-coding transcript variant (4).
Genome position (GRCh38, 1-based): chr2:74,530,737, A>G. VCF-style: chr2-74530737-A-G. GRCh37 (hg19) VCF-style: chr2-74757864-A-G.
Other names: c.627A>G, p.Arg209= (NM_001321727.1, NM_001321728.1, NM_145074.2).
Identifiers: ClinVar variation 337132 (VCV000337132.40), dbSNP rs149169879, ClinGen allele CA1728397.

ClinVar aggregate classification (germline): Likely benign. Review status: criteria provided, multiple submitters, no conflicts (2 of 4 stars). 5 submissions from 5 submitters: Likely benign (4). 1 of the submissions does not count toward it. Last evaluated 2026-02-01.

Conditions:
Parkinson disease 13, autosomal dominant, susceptibility to. Identifiers: Orphanet 2828, MedGen C1853202, MONDO:0012466, OMIM 610297.
HTRA2-related disorder. Also called: HTRA2-related condition.

Allele frequency attached by ClinVar (database versions not stated): 1000 Genomes Project 30x 0.00031; 1000 Genomes Project 0.00040; ESP Exome Variant Server 0.00054; ExAC 0.00060; gnomAD exomes 0.00066; gnomAD 0.00074 and 0.00078; TOPMed 0.00082.
gnomAD v4.1: 804 of 1,614,136 alleles (0.05%); highest among the groups gnomAD compares: Middle Eastern, 0.21%; 3 homozygotes.

Submissions (5):

CeGaT Center for Human Genetics Tuebingen
Classification: Likely benign. Last evaluated: 2026-02-01. Review status: criteria provided, single submitter. Criteria: CeGaT Center For Human Genetics Tuebingen Variant Classification Criteria Version 2. Collection method: clinical testing. Allele origin: germline. Affected: yes. Observed: 5 variant alleles.
Comment: HTRA2: BP4, BP7

Labcorp Genetics (formerly Invitae), Labcorp
Classification: Likely benign. Last evaluated: 2026-01-27. Review status: criteria provided, single submitter. Criteria: Invitae Variant Classification Sherloc (09022015). Collection method: clinical testing. Allele origin: germline.

GeneDx
Classification: Likely benign. Last evaluated: 2021-04-17. Review status: criteria provided, single submitter. Criteria: GeneDx Variant Classification Process June 2021. Collection method: clinical testing. Allele origin: germline. Affected: yes.

Illumina Laboratory Services, Illumina
Classification: Likely benign for Parkinson disease 13, autosomal dominant, susceptibility to. Last evaluated: 2018-01-12. Review status: criteria provided, single submitter. Criteria: ICSL Variant Classification Criteria 13 December 2019. Collection method: clinical testing. Allele origin: germline.
Comment: This variant was observed in the ICSL laboratory as part of a predisposition screen in an ostensibly healthy population. It had not been previously curated by ICSL or reported in the Human Gene Mutation Database (HGMD: prior to June 1st, 2018), and was therefore a candidate for classification through an automated scoring system. Utilizing variant allele frequency, disease prevalence and penetrance estimates, and inheritance mode, an automated score was calculated to assess if this variant is too frequent to cause the disease. Based on the score and internal cut-off values, a variant classified as likely benign is not then subjected to further curation. The score for this variant resulted in a classification of likely benign for this disease.

PreventionGenetics, part of Exact Sciences
Classification: Benign for HTRA2-related condition. Last evaluated: 2019-11-25. Review status: no assertion criteria provided. Collection method: clinical testing. Allele origin: germline. Not counted in ClinVar's aggregate classification.
Comment: This variant is classified as benign based on ACMG/AMP sequence variant interpretation guidelines (Richards et al. 2015 PMID: 25741868, with internal and published modifications).